The following is an entry in ClinVar:

ClinVar aggregate classification (germline): Uncertain significance (1 of 4 stars; one submission).

gnomAD v4.1: 4 of 1,613,982 alleles (0.00025%); highest among the groups gnomAD compares: Admixed American, 0.0067%; no homozygotes.

Submission:

Labcorp Genetics (formerly Invitae), Labcorp
Classification: Uncertain significance. Last evaluated: 2025-09-07. Review status: criteria provided, single submitter. Criteria: Invitae Variant Classification Sherloc (09022015). Collection method: clinical testing. Allele origin: germline.
Comment: This sequence change replaces serine, which is neutral and polar, with phenylalanine, which is neutral and non-polar, at codon 36 of the FAT2 protein (p.Ser36Phe). This variant is present in population databases (rs574821566, gnomAD 0.009%). This variant has not been reported in the literature in individuals affected with FAT2-related conditions. An algorithm developed to predict the effect of missense changes on protein structure and function (PolyPhen-2) suggests that this variant is likely to be tolerated. In summary, the available evidence is currently insufficient to determine the role of this variant in disease. Therefore, it has been classified as a Variant of Uncertain Significance.

NM_001447.3(FAT2):c.107C>T (p.Ser36Phe)

Gene: FAT2 (FAT atypical cadherin 2; minus strand). Cytogenetic location: 5q33.1.
Variant type: single nucleotide variant.
Coding change: c.107C>T on transcript NM_001447.3 (MANE Select); coding-DNA position 107, C replaced by T.
Protein change: p.Ser36Phe; replaces serine 36 with phenylalanine.
Molecular consequence: missense variant.
Genome position (GRCh38, 1-based): chr5:151,568,825, G>A on the plus strand (C>T on the coding strand, the complement: FAT2 is on the minus strand). VCF-style: chr5-151568825-G-A. GRCh37 (hg19) VCF-style: chr5-150948386-G-A.
Other names: short protein forms S36F.
Identifiers: ClinVar variation 4754787 (VCV004754787.1).